The following is an entry in ClinVar:

ClinVar aggregate classification (germline): Likely benign. Review status: criteria provided, single submitter (1 of 4 stars). 2 submissions from 2 submitters: Likely benign (1). 1 of the submissions does not count toward it. Last evaluated 2025-01-06.

Conditions:
CRYM-related disorder. Also called: CRYM-related condition.

Allele frequency attached by ClinVar (database versions not stated): gnomAD exomes 0.00001; TOPMed 0.00002; ExAC 0.00003.
gnomAD v4.1: 11 of 1,614,114 alleles (0.00068%); highest among the groups gnomAD compares: Admixed American, 0.017%; no homozygotes.

Submissions (2):

Labcorp Genetics (formerly Invitae), Labcorp
Classification: Likely benign. Last evaluated: 2025-01-06. Review status: criteria provided, single submitter. Criteria: Invitae Variant Classification Sherloc (09022015). Collection method: clinical testing. Allele origin: germline.

PreventionGenetics, part of Exact Sciences
Classification: Likely benign for CRYM-related condition. Last evaluated: 2019-07-24. Review status: no assertion criteria provided. Collection method: clinical testing. Allele origin: germline. Not counted in ClinVar's aggregate classification.
Comment: This variant is classified as likely benign based on ACMG/AMP sequence variant interpretation guidelines (Richards et al. 2015 PMID: 25741868, with internal and published modifications).

NM_001376256.1(CRYM):c.360A>G (p.Thr120=)

Gene: CRYM (crystallin mu; minus strand). Cytogenetic location: 16p12.2.
Variant type: single nucleotide variant.
Coding change: c.360A>G on transcript NM_001376256.1 (MANE Select); coding-DNA position 360, A replaced by G.
Protein change: p.Thr120=; no amino-acid change (threonine 120 retained).
Molecular consequence: synonymous variant.
Genome position (GRCh38, 1-based): chr16:21,275,559, T>C on the plus strand (A>G on the coding strand, the complement: CRYM is on the minus strand). VCF-style: chr16-21275559-T-C. GRCh37 (hg19) VCF-style: chr16-21286880-T-C.
Other names: c.360A>G, p.Thr120= (NM_001888.5).
Identifiers: ClinVar variation 3034801 (VCV003034801.4), dbSNP rs763706653, ClinGen allele CA7950751.